The following is an entry in ClinVar:

NM_001372.4(DNAH9):c.208C>T (p.Pro70Ser)

Gene: DNAH9 (dynein axonemal heavy chain 9; plus strand). Cytogenetic location: 17p12.
Variant type: single nucleotide variant.
Coding change: c.208C>T on transcript NM_001372.4 (MANE Select); coding-DNA position 208, C replaced by T.
Protein change: p.Pro70Ser; replaces proline 70 with serine.
Molecular consequence: missense variant.
Genome position (GRCh38, 1-based): chr17:11,598,706, C>T. VCF-style: chr17-11598706-C-T. GRCh37 (hg19) VCF-style: chr17-11502023-C-T.
Other names: short protein forms P70S.
Identifiers: ClinVar variation 1294645 (VCV001294645.12), dbSNP rs28570215, ClinGen allele CA8394465.

ClinVar aggregate classification (germline): Benign. Review status: criteria provided, multiple submitters, no conflicts (2 of 4 stars). 4 submissions from 4 submitters: Benign (3). 1 of the submissions does not count toward it. Last evaluated 2026-01-28.

Conditions:
DNAH9-related disorder. Also called: DNAH9-related condition.

Allele frequency attached by ClinVar (database versions not stated): gnomAD exomes 0.00123 and 0.00212; ExAC 0.01282; gnomAD 0.01515 and 0.01631; 1000 Genomes Project 0.01637; 1000 Genomes Project 30x 0.01718; TOPMed 0.01734.
gnomAD v4.1: 3,859 of 1,373,036 alleles (0.28%); highest among the groups gnomAD compares: African/African-American, 5.4%; 116 homozygotes.

Submissions (4):

Labcorp Genetics (formerly Invitae), Labcorp
Classification: Benign. Last evaluated: 2026-01-28. Review status: criteria provided, single submitter. Criteria: Invitae Variant Classification Sherloc (09022015). Collection method: clinical testing. Allele origin: germline.

GeneDx
Classification: Benign. Last evaluated: 2021-05-04. Review status: criteria provided, single submitter. Criteria: GeneDx Variant Classification Process June 2021. Collection method: clinical testing. Allele origin: germline. Affected: yes.

Breakthrough Genomics
Classification: Benign. Review status: criteria provided, single submitter. Criteria: ACMG Guidelines, 2015. Collection method: not provided. Allele origin: germline. Inheritance: Autosomal recessive inheritance. Affected: yes.

PreventionGenetics, part of Exact Sciences
Classification: Benign for DNAH9-related condition. Last evaluated: 2019-08-13. Review status: no assertion criteria provided. Collection method: clinical testing. Allele origin: germline. Not counted in ClinVar's aggregate classification.
Comment: This variant is classified as benign based on ACMG/AMP sequence variant interpretation guidelines (Richards et al. 2015 PMID: 25741868, with internal and published modifications).